The following is an entry in ClinVar:

ClinVar aggregate classification (germline): Uncertain significance (1 of 4 stars; one submission).

Conditions:
Inclusion body myopathy with Paget disease of bone and frontotemporal dementia. Also called: Inclusion body myopathy with early-onset Paget disease and frontotemporal dementia. Identifiers: Orphanet 52430, MedGen C1833662, MONDO:0000507.
Frontotemporal dementia and/or amyotrophic lateral sclerosis 6 (FTDALS6). Also called: VCP-Related Amyotrophic Lateral Sclerosis; VCP-Related Amyotrophic Lateral Sclerosis/Frontotemporal Dementia. Identifiers: Orphanet 275872, Orphanet 803, MedGen C5436279, MONDO:0013501, OMIM 613954.

gnomAD v4.1: 5 of 1,614,030 alleles (0.00031%); highest among the groups gnomAD compares: African/African-American, 0.0013%; no homozygotes.

Submission:

Labcorp Genetics (formerly Invitae), Labcorp
Classification: Uncertain significance for Inclusion body myopathy with Paget disease of bone and frontotemporal dementia; Frontotemporal dementia and/or amyotrophic lateral sclerosis 6. Last evaluated: 2025-06-24. Review status: criteria provided, single submitter. Criteria: Invitae Variant Classification Sherloc (09022015). Collection method: clinical testing. Allele origin: germline.
Comment: This sequence change replaces isoleucine, which is neutral and non-polar, with valine, which is neutral and non-polar, at codon 303 of the VCP protein (p.Ile303Val). This variant is not present in population databases (gnomAD no frequency). This variant has not been reported in the literature in individuals affected with VCP-related conditions. ClinVar contains an entry for this variant (Variation ID: 3761793). Invitae Evidence Modeling of protein sequence and biophysical properties (such as structural, functional, and spatial information, amino acid conservation, physicochemical variation, residue mobility, and thermodynamic stability) indicates that this missense variant is not expected to disrupt VCP protein function with a negative predictive value of 80%. In summary, the available evidence is currently insufficient to determine the role of this variant in disease. Therefore, it has been classified as a Variant of Uncertain Significance.

NM_007126.5(VCP):c.907A>G (p.Ile303Val)

Gene: VCP (valosin containing protein; minus strand). Cytogenetic location: 9p13.3.
Variant type: single nucleotide variant.
Coding change: c.907A>G on transcript NM_007126.5 (MANE Select); coding-DNA position 907, A replaced by G.
Protein change: p.Ile303Val; replaces isoleucine 303 with valine.
Molecular consequence: missense variant.
Genome position (GRCh38, 1-based): chr9:35,062,255, T>C on the plus strand (A>G on the coding strand, the complement: VCP is on the minus strand). VCF-style: chr9-35062255-T-C. GRCh37 (hg19) VCF-style: chr9-35062252-T-C.
Other names: c.772A>G, p.Ile258Val (NM_001354927.2, NM_001354928.2); short protein forms I258V, I303V.
Identifiers: ClinVar variation 3761793 (VCV003761793.2).